The following is an entry in ClinVar:

NM_003227.4(TFR2):c.1362_1363insT (p.Arg455fs)

Gene: TFR2 (transferrin receptor 2; minus strand). Cytogenetic location: 7q22.1.
Variant type: Insertion.
Coding change: c.1362_1363insT on transcript NM_003227.4 (MANE Select); coding-DNA positions 1362 to 1363, T inserted.
Protein change: p.Arg455fs; shifts the reading frame from arginine 455.
Molecular consequence: frameshift variant.
Genome position: GRCh38 VCF-style: chr7-100629280-G-GA. GRCh37 (hg19) VCF-style: chr7-100226903-G-GA.
Other names: c.849_850insT, p.Arg284fs (NM_001206855.3); short protein forms R455fs, R284fs.
Identifiers: ClinVar variation 2777575 (VCV002777575.3), dbSNP rs1020301245, ClinGen allele CA163279237.

ClinVar aggregate classification (germline): Pathogenic (1 of 4 stars; one submission).

Conditions:
Hereditary hemochromatosis (HFE). Identifiers: MedGen C0392514, MONDO:0006507. Disease mechanism: loss of function.

Allele frequency attached by ClinVar (database versions not stated): gnomAD 0.00001; TOPMed 0.00001.

Submission:

Labcorp Genetics (formerly Invitae), Labcorp
Classification: Pathogenic for Hereditary hemochromatosis. Last evaluated: 2025-10-17. Review status: criteria provided, single submitter. Criteria: Invitae Variant Classification Sherloc (09022015). Collection method: clinical testing. Allele origin: germline.
Comment: This sequence change creates a premature translational stop signal (p.Arg455Serfs*26) in the TFR2 gene. It is expected to result in an absent or disrupted protein product. Loss-of-function variants in TFR2 are known to be pathogenic (PMID: 23600741, 26029709). This variant is not present in population databases (gnomAD no frequency). This variant has not been reported in the literature in individuals affected with TFR2-related conditions. ClinVar contains an entry for this variant (Variation ID: 2777575). For these reasons, this variant has been classified as Pathogenic.

Literature cited by the submitters: PubMed 23600741; PubMed 26029709.